The following is an entry in ClinVar:

ClinVar aggregate classification (germline): Uncertain significance (1 of 4 stars; one submission).

Conditions:
GNAS-related disorder. Identifiers: MedGen CN380105.

gnomAD v4.1: 21 of 1,612,004 alleles (0.0013%); highest among the groups gnomAD compares: Admixed American, 0.03%; no homozygotes.

Submission:

PreventionGenetics, part of Exact Sciences
Classification: Uncertain significance for GNAS-related condition. Last evaluated: 2025-08-06. Review status: criteria provided, single submitter. Criteria: ACMG Guidelines, 2015. Collection method: clinical testing. Allele origin: germline.
Comment: The GNAS c.821C>T variant is predicted to result in the amino acid substitution p.Pro274Leu. This variant corresponds to a pre-coding position in an alternate transcript for this gene (c.-37454C>T in NM_000516). To our knowledge, this variant has not been reported in the literature. This variant is reported in 0.044% of alleles in individuals of Latino descent in gnomAD. Although we suspect that this variant may be benign, at this time, the clinical significance of this variant is uncertain due to the absence of conclusive functional and genetic evidence.

NM_080425.4(GNAS):c.1008C>T (p.Pro336=)

Gene: GNAS (GNAS complex locus; plus strand). Cytogenetic location: 20q13.32.
Variant type: single nucleotide variant.
Coding change: c.1008C>T on transcript NM_080425.4 (MANE Plus Clinical); coding-DNA position 1008, C replaced by T.
Protein change: p.Pro336=; no amino-acid change (proline 336 retained).
Molecular consequence: synonymous variant. On other transcripts: missense variant (2), intron variant (3).
Genome position (GRCh38, 1-based): chr20:58,854,273, C>T. VCF-style: chr20-58854273-C-T. GRCh37 (hg19) VCF-style: chr20-57429328-C-T.
Other names: c.821C>T, p.Pro274Leu (NM_001077490.3, NM_001309883.1); c.1008C>T, p.Pro336= (NM_001410913.1); c.*42+13387C>T (NM_016592.5); c.43+13387C>T (NM_001410912.1); c.-39+12398C>T (NM_001309861.2); short protein forms P274L.
Identifiers: ClinVar variation 4991292 (VCV004991292.1).
Genomic context (GRCh38, chr20:58,854,273, plus strand): 5'-TGGGGTCGACGACACTCCCGTCAACATGGACAGCCCCCCAATCGCGCTTGACGGCCCGCC[C>T]ATCAAGGTCTCCGGAGCCCCAGATAAGAGAGAGCGAGCAGAGAGACCCCCAGTTGAGGAG-3'
Protein context (NP_536350.2, residues 326-346): DSPPIALDGP[Pro336=]IKVSGAPDKR